The following is an entry in ClinVar:

NM_000089.4(COL1A2):c.3018C>T (p.Gly1006=)

Gene: COL1A2 (collagen type I alpha 2 chain; plus strand). Cytogenetic location: 7q21.3.
Variant type: single nucleotide variant.
Coding change: c.3018C>T on transcript NM_000089.4 (MANE Select); coding-DNA position 3018, C replaced by T.
Protein change: p.Gly1006=; no amino-acid change (glycine 1006 retained).
Molecular consequence: synonymous variant.
Genome position (GRCh38, 1-based): chr7:94,426,443, C>T. VCF-style: chr7-94426443-C-T. GRCh37 (hg19) VCF-style: chr7-94055755-C-T.
Identifiers: ClinVar variation 35945 (VCV000035945.68), dbSNP rs62001059, ClinGen allele CA260362.

ClinVar aggregate classification (germline): Benign/Likely benign. Review status: criteria provided, multiple submitters, no conflicts (2 of 4 stars). 11 submissions from 9 submitters: Benign (7); Likely benign (4). Last evaluated 2026-01-27.

Conditions:
Ehlers-Danlos syndrome, arthrochalasia type, 2. Also called: EHLERS-DANLOS SYNDROME, TYPE VIIB, AUTOSOMAL DOMINANT. Identifiers: MedGen CN293783, MONDO:0040501, OMIM 617821.
Ehlers-Danlos syndrome, classic type, 1 (EDSCL1). Also called: EHLERS-DANLOS SYNDROME, GRAVIS TYPE; EHLERS-DANLOS SYNDROME, SEVERE CLASSIC TYPE; EDS I; Ehlers-Danlos syndrome, type 1; Ehlers-Danlos Syndrome, Classic Type, COL5A1-Related. Identifiers: MedGen C0268335, MONDO:0019567, OMIM 130000.
Osteogenesis imperfecta type I (OI1). Also called: Classic Non-deforming Osteogenesis Imperfecta with Blue Sclerae; Lobstein disease; Lobstein's Disease; OI, TYPE I; OSTEOGENESIS IMPERFECTA TARDA; OSTEOGENESIS IMPERFECTA WITH BLUE SCLERAE. Identifiers: Orphanet 216796, Orphanet 666, MedGen C0023931, MONDO:0008146, OMIM 166200. Disease mechanism: loss of function.
Cardiovascular phenotype. Identifiers: MedGen CN230736.
Ehlers-Danlos syndrome (EDS). Identifiers: Orphanet 98249, MedGen C0013720, MONDO:0020066.
Osteogenesis imperfecta (OI). Identifiers: Orphanet 666, MedGen C0029434, MeSH D010013, MONDO:0019019.

Allele frequency attached by ClinVar (database versions not stated): gnomAD exomes 0.00157; 1000 Genomes Project 30x 0.00375; ExAC 0.00383; 1000 Genomes Project 0.00399; gnomAD 0.00679; TOPMed 0.00712; ESP Exome Variant Server 0.00761.
gnomAD v4.1: 2,092 of 1,602,334 alleles (0.13%); highest among the groups gnomAD compares: African/African-American, 2.3%; 19 homozygotes.

Submissions (11):

Labcorp Genetics (formerly Invitae), Labcorp
Classification: Benign for Osteogenesis imperfecta type I; Ehlers-Danlos syndrome, classic type, 1. Last evaluated: 2026-01-27. Review status: criteria provided, single submitter. Criteria: Invitae Variant Classification Sherloc (09022015). Collection method: clinical testing. Allele origin: germline.

Women's Health and Genetics/Laboratory Corporation of America, LabCorp
Classification: Benign. Last evaluated: 2024-12-06. Review status: criteria provided, single submitter. Criteria: LabCorp Variant Classification Summary - May 2015. Collection method: clinical testing. Allele origin: germline.

Blueprint Genetics
Classification: Likely benign. Last evaluated: 2024-11-06. Review status: criteria provided, single submitter. Criteria: ACMG Guidelines, 2015. Collection method: clinical testing. Allele origin: germline.

ARUP Laboratories, Molecular Genetics and Genomics, ARUP Laboratories
Classification: Benign. Last evaluated: 2023-05-02. Review status: criteria provided, single submitter. Criteria: ARUP Molecular Germline Variant Investigation Process 2024. Collection method: clinical testing. Allele origin: germline.

Genome Diagnostics Laboratory, The Hospital for Sick Children
Classification: Likely benign for Osteogenesis imperfecta. Last evaluated: 2021-11-11. Review status: criteria provided, single submitter. Criteria: ACMG Guidelines, 2015. Collection method: clinical testing. Allele origin: germline.

Genome Diagnostics Laboratory, The Hospital for Sick Children
Classification: Likely benign for Ehlers-Danlos syndrome. Last evaluated: 2020-06-01. Review status: criteria provided, single submitter. Criteria: ACMG Guidelines, 2015. Collection method: clinical testing. Allele origin: germline.

GeneDx
Classification: Benign. Last evaluated: 2019-05-07. Review status: criteria provided, single submitter. Criteria: GeneDx Variant Classification Process June 2021. Collection method: clinical testing. Allele origin: germline. Affected: yes.

Ambry Genetics
Classification: Benign for Cardiovascular phenotype. Last evaluated: 2019-05-01. Review status: criteria provided, single submitter. Criteria: Ambry Variant Classification Scheme 2023. Collection method: clinical testing. Allele origin: germline.

Illumina Laboratory Services, Illumina
Classification: Benign for Ehlers-Danlos syndrome, arthrochalasia type, 2. Last evaluated: 2018-01-13. Review status: criteria provided, single submitter. Criteria: ICSL Variant Classification Criteria 13 December 2019. Collection method: clinical testing. Allele origin: germline.
Comment: This variant was observed in the ICSL laboratory as part of a predisposition screen in an ostensibly healthy population. It had not been previously curated by ICSL or reported in the Human Gene Mutation Database (HGMD: prior to June 1st, 2018), and was therefore a candidate for classification through an automated scoring system. Utilizing variant allele frequency, disease prevalence and penetrance estimates, and inheritance mode, an automated score was calculated to assess if this variant is too frequent to cause the disease. Based on the score and internal cut-off values, a variant classified as benign is not then subjected to further curation. The score for this variant resulted in a classification of benign for this disease.

Illumina Laboratory Services, Illumina
Classification: Benign for Osteogenesis imperfecta. Last evaluated: 2018-01-13. Review status: criteria provided, single submitter. Criteria: ICSL Variant Classification Criteria 13 December 2019. Collection method: clinical testing. Allele origin: germline.
Comment: the same text as in the submission from Illumina Laboratory Services, Illumina above.

Breakthrough Genomics
Classification: Likely benign. Review status: criteria provided, single submitter. Criteria: ACMG Guidelines, 2015. Collection method: not provided. Allele origin: germline. Inheritance: Autosomal recessive inheritance. Affected: yes.

Literature cited by the submitters: PubMed 18996919 (cited by Women's Health and Genetics/Laboratory Corporation of America, LabCorp).